The following is an entry in ClinVar:

ClinVar aggregate classification (germline): Uncertain significance. Review status: criteria provided, multiple submitters, no conflicts (2 of 4 stars). 3 submissions from 3 submitters: Uncertain significance (3). Last evaluated 2023-03-17.

Conditions:
Primary ciliary dyskinesia. Also called: Ciliary dyskinesia. Identifiers: Orphanet 244, MedGen C0008780, MONDO:0016575, HP:0012265.

Allele frequency attached by ClinVar (database versions not stated): gnomAD exomes 0.00001; TOPMed 0.00001.
gnomAD v4.1: 6 of 1,614,106 alleles (0.00037%); highest among the groups gnomAD compares: East Asian, 0.0067%; no homozygotes.

Submissions (3):

Ambry Genetics
Classification: Uncertain significance for Primary ciliary dyskinesia. Last evaluated: 2023-03-17. Review status: criteria provided, single submitter. Criteria: Ambry Variant Classification Scheme 2023. Collection method: clinical testing. Allele origin: germline.

Blueprint Genetics
Classification: Uncertain significance. Last evaluated: 2022-10-09. Review status: criteria provided, single submitter. Criteria: ACMG Guidelines, 2015. Collection method: clinical testing. Allele origin: germline.

Labcorp Genetics (formerly Invitae), Labcorp
Classification: Uncertain significance for Primary ciliary dyskinesia. Last evaluated: 2022-02-03. Review status: criteria provided, single submitter. Criteria: Invitae Variant Classification Sherloc (09022015). Collection method: clinical testing. Allele origin: germline.
Comment: In summary, the available evidence is currently insufficient to determine the role of this variant in disease. Therefore, it has been classified as a Variant of Uncertain Significance. Algorithms developed to predict the effect of missense changes on protein structure and function are either unavailable or do not agree on the potential impact of this missense change (SIFT: "Deleterious"; PolyPhen-2: "Possibly Damaging"; Align-GVGD: "Class C0"). This variant has not been reported in the literature in individuals affected with CCDC40-related conditions. This variant is present in population databases (no rsID available, gnomAD 0.006%). This sequence change replaces arginine, which is basic and polar, with cysteine, which is neutral and slightly polar, at codon 967 of the CCDC40 protein (p.Arg967Cys).

NM_017950.4(CCDC40):c.2899C>T (p.Arg967Cys)

Gene: CCDC40 (coiled-coil domain 40 molecular ruler complex subunit; plus strand). Cytogenetic location: 17q25.3.
Variant type: single nucleotide variant.
Coding change: c.2899C>T on transcript NM_017950.4 (MANE Select); coding-DNA position 2899, C replaced by T.
Protein change: p.Arg967Cys; replaces arginine 967 with cysteine.
Molecular consequence: missense variant.
Genome position (GRCh38, 1-based): chr17:80,095,329, C>T. VCF-style: chr17-80095329-C-T. GRCh37 (hg19) VCF-style: chr17-78069128-C-T.
Other names: c.2899C>T (NM_017950.3); short protein forms R967C.
Identifiers: ClinVar variation 1364487 (VCV001364487.11), dbSNP rs1483239449, ClinGen allele CA401354828.
Genomic context (GRCh38, chr17:80,095,329, plus strand): 5'-CTCGGGCAGCTGCTGAAGCAGCAGGAGAAGATGATCCGTGCCATGGAGTTGGCGGTTGCC[C>T]GCAGAGAGACCGTCACCACCCAGGCCGAGGGGCAGCGCAAGATGGACAGGAAGGCGCTCA-3'
Protein context (NP_060420.2, residues 957-977): MIRAMELAVA[Arg967Cys]RETVTTQAEG